The following is an entry in ClinVar:

ClinVar aggregate classification (germline): Uncertain significance. Review status: criteria provided, single submitter (1 of 4 stars). 2 submissions from 2 submitters: Uncertain significance (1). 1 of the submissions does not count toward it. Last evaluated 2022-03-11.

Conditions:
HIVEP1-related disorder. Also called: HIVEP1-related condition.

Allele frequency attached by ClinVar (database versions not stated): gnomAD 0.00011; gnomAD exomes 0.00011; ExAC 0.00012; TOPMed 0.00016.
gnomAD v4.1: 83 of 1,614,014 alleles (0.0051%); highest among the groups gnomAD compares: Admixed American, 0.14%; no homozygotes.

Submissions (2):

Ambry Genetics
Classification: Uncertain significance. Last evaluated: 2022-03-11. Review status: criteria provided, single submitter. Criteria: Ambry Variant Classification Scheme 2023. Collection method: clinical testing. Allele origin: germline.

PreventionGenetics, part of Exact Sciences
Classification: Likely benign for HIVEP1-related condition. Last evaluated: 2022-02-23. Review status: no assertion criteria provided. Collection method: clinical testing. Allele origin: germline. Not counted in ClinVar's aggregate classification.
Comment: This variant is classified as likely benign based on ACMG/AMP sequence variant interpretation guidelines (Richards et al. 2015 PMID: 25741868, with internal and published modifications).

NM_002114.4(HIVEP1):c.5009G>T (p.Cys1670Phe)

Gene: HIVEP1 (HIVEP zinc finger 1; plus strand). Cytogenetic location: 6p24.1.
Variant type: single nucleotide variant.
Coding change: c.5009G>T on transcript NM_002114.4 (MANE Select); coding-DNA position 5009, G replaced by T.
Protein change: p.Cys1670Phe; replaces cysteine 1670 with phenylalanine.
Molecular consequence: missense variant.
Genome position (GRCh38, 1-based): chr6:12,124,804, G>T. VCF-style: chr6-12124804-G-T. GRCh37 (hg19) VCF-style: chr6-12125037-G-T.
Other names: c.5009G>T (NM_002114.3); short protein forms C1670F.
Identifiers: ClinVar variation 2390209 (VCV002390209.4), dbSNP rs757494099, ClinGen allele CA3637876.